The following is an entry in ClinVar:

NM_005236.3(ERCC4):c.503C>T (p.Ala168Val)

Gene: ERCC4 (ERCC excision repair 4, endonuclease catalytic subunit; plus strand). Cytogenetic location: 16p13.12.
Variant type: single nucleotide variant.
Coding change: c.503C>T on transcript NM_005236.3 (MANE Select); coding-DNA position 503, C replaced by T.
Protein change: p.Ala168Val; replaces alanine 168 with valine.
Molecular consequence: missense variant.
Genome position (GRCh38, 1-based): chr16:13,926,675, C>T. VCF-style: chr16-13926675-C-T. GRCh37 (hg19) VCF-style: chr16-14020532-C-T.
Other names: short protein forms A168V.
Identifiers: ClinVar variation 695963 (VCV000695963.16), dbSNP rs2020961, ClinGen allele CA7910210.

ClinVar aggregate classification (germline): Conflicting classifications of pathogenicity. Review status: criteria provided, conflicting classifications (1 of 4 stars). 5 submissions from 5 submitters: Uncertain significance (2); Likely benign (3). Last evaluated 2025-12-23.

Conditions:
Fanconi anemia complementation group Q. Identifiers: Orphanet 84, MedGen C3808988, MONDO:0014108, OMIM 615272.
Cockayne syndrome. Identifiers: Orphanet 191, MedGen C0009207, MONDO:0016006.
Xeroderma pigmentosum, group F (XPF). Also called: XERODERMA PIGMENTOSUM, COMPLEMENTATION GROUP F; ERCC4-Related Xeroderma Pigmentosum; XERODERMA PIGMENTOSUM, TYPE F; Xeroderma pigmentosum, type 6; XERODERMA PIGMENTOSUM VI; XP, GROUP F. Identifiers: MedGen C0268140, MONDO:0010215, OMIM 278760.
Inborn genetic diseases. Identifiers: MedGen C0950123, MeSH D030342.

Allele frequency attached by ClinVar (database versions not stated): 1000 Genomes Project 30x 0.00031; 1000 Genomes Project 0.00040; TOPMed 0.00108; ESP Exome Variant Server 0.00162.

Submissions (5):

Labcorp Genetics (formerly Invitae), Labcorp
Classification: Likely benign for Fanconi anemia complementation group Q; Xeroderma pigmentosum, group F; Cockayne syndrome. Last evaluated: 2025-12-23. Review status: criteria provided, single submitter. Criteria: Invitae Variant Classification Sherloc (09022015). Collection method: clinical testing. Allele origin: germline.

Blueprint Genetics
Classification: Uncertain significance. Last evaluated: 2024-07-14. Review status: criteria provided, single submitter. Criteria: ACMG Guidelines, 2015. Collection method: clinical testing. Allele origin: germline.

ARUP Laboratories, Molecular Genetics and Genomics, ARUP Laboratories
Classification: Likely benign. Last evaluated: 2024-03-25. Review status: criteria provided, single submitter. Criteria: ARUP Molecular Germline Variant Investigation Process 2024. Collection method: clinical testing. Allele origin: germline.

Ambry Genetics
Classification: Likely benign for Inborn genetic diseases. Last evaluated: 2021-08-27. Review status: criteria provided, single submitter. Criteria: Ambry Variant Classification Scheme 2023. Collection method: clinical testing. Allele origin: germline.

Baylor Genetics
Classification: Uncertain significance for Fanconi anemia complementation group Q. Last evaluated: 2018-10-12. Review status: criteria provided, single submitter. Criteria: ACMG Guidelines, 2015. Collection method: clinical testing. Allele origin: unknown. Affected: yes. Study: CSER-TexasKidsCanSeq.
Comment: This variant was determined to be of uncertain significance according to ACMG Guidelines, 2015 [PMID:25741868].